The following is an entry in ClinVar:

ClinVar aggregate classification (germline): Uncertain significance (1 of 4 stars; one submission).

Conditions:
Combined immunodeficiency due to LRBA deficiency. Also called: Common variable immunodeficiency 8, with autoimmunity. Identifiers: Orphanet 445018, MedGen C3553512, MONDO:0013863, OMIM 614700.

Submission:

Labcorp Genetics (formerly Invitae), Labcorp
Classification: Uncertain significance for Combined immunodeficiency due to LRBA deficiency. Last evaluated: 2024-02-19. Review status: criteria provided, single submitter. Criteria: Invitae Variant Classification Sherloc (09022015). Collection method: clinical testing. Allele origin: germline.
Comment: This sequence change replaces asparagine, which is neutral and polar, with threonine, which is neutral and polar, at codon 1675 of the LRBA protein (p.Asn1675Thr). This variant is not present in population databases (gnomAD no frequency). This variant has not been reported in the literature in individuals affected with LRBA-related conditions. ClinVar contains an entry for this variant (Variation ID: 652319). Advanced modeling of protein sequence and biophysical properties (such as structural, functional, and spatial information, amino acid conservation, physicochemical variation, residue mobility, and thermodynamic stability) performed at Invitae indicates that this missense variant is not expected to disrupt LRBA protein function with a negative predictive value of 80%. In summary, the available evidence is currently insufficient to determine the role of this variant in disease. Therefore, it has been classified as a Variant of Uncertain Significance.

NM_001364905.1(LRBA):c.5024A>C (p.Asn1675Thr)

Gene: LRBA (LPS responsive beige-like anchor protein; minus strand). Cytogenetic location: 4q31.3.
Variant type: single nucleotide variant.
Coding change: c.5024A>C on transcript NM_001364905.1 (MANE Select); coding-DNA position 5024, A replaced by C.
Protein change: p.Asn1675Thr; replaces asparagine 1675 with threonine.
Molecular consequence: missense variant.
Genome position (GRCh38, 1-based): chr4:150,828,327, T>G on the plus strand (A>C on the coding strand, the complement: LRBA is on the minus strand). VCF-style: chr4-150828327-T-G. GRCh37 (hg19) VCF-style: chr4-151749479-T-G.
Other names: c.5024A>C, p.Asn1675Thr (NM_001199282.3, NM_001367550.1, NM_006726.5); short protein forms N1675T.
Identifiers: ClinVar variation 652319 (VCV000652319.8), dbSNP rs1578912127, ClinGen allele CA358443748.